The following is an entry in ClinVar:

ClinVar aggregate classification (germline): Uncertain significance (1 of 4 stars; one submission).

Allele frequency attached by ClinVar (database versions not stated): gnomAD exomes below 0.00001.
gnomAD v4.1: 1 of 1,613,988 alleles (0.000062%); highest among the groups gnomAD compares: Non-Finnish European, 0.000085%; no homozygotes.

Submission:

Labcorp Genetics (formerly Invitae), Labcorp
Classification: Uncertain significance. Last evaluated: 2023-06-29. Review status: criteria provided, single submitter. Criteria: Invitae Variant Classification Sherloc (09022015). Collection method: clinical testing. Allele origin: germline.
Comment: In summary, the available evidence is currently insufficient to determine the role of this variant in disease. Therefore, it has been classified as a Variant of Uncertain Significance. An algorithm developed to predict the effect of missense changes on protein structure and function (PolyPhen-2) suggests that this variant is likely to be tolerated. ClinVar contains an entry for this variant (Variation ID: 1715853). This variant has not been reported in the literature in individuals affected with CAD-related conditions. This variant is not present in population databases (gnomAD no frequency). This sequence change replaces lysine, which is basic and polar, with glutamic acid, which is acidic and polar, at codon 1871 of the CAD protein (p.Lys1871Glu).

NM_004341.5(CAD):c.5611A>G (p.Lys1871Glu)

Gene: CAD (carbamoyl-phosphate synthetase 2, aspartate transcarbamylase, and dihydroorotase; plus strand). Cytogenetic location: 2p23.3.
Variant type: single nucleotide variant.
Coding change: c.5611A>G on transcript NM_004341.5 (MANE Select); coding-DNA position 5611, A replaced by G.
Protein change: p.Lys1871Glu; replaces lysine 1871 with glutamic acid.
Molecular consequence: missense variant.
Genome position (GRCh38, 1-based): chr2:27,240,928, A>G. VCF-style: chr2-27240928-A-G. GRCh37 (hg19) VCF-style: chr2-27463796-A-G.
Other names: c.5422A>G, p.Lys1808Glu (NM_001306079.2); short protein forms K1808E, K1871E.
Identifiers: ClinVar variation 1715853 (VCV001715853.5), dbSNP rs2465361200, ClinGen allele CA346223222.